The following is an entry in ClinVar:

ClinVar aggregate classification (germline): Uncertain significance (1 of 4 stars; one submission).

Conditions:
Hereditary cancer-predisposing syndrome. Also called: Tumor predisposition; Hereditary Cancer Syndrome; Neoplastic Syndromes, Hereditary; Hereditary neoplastic syndrome. Identifiers: Orphanet 140162, MedGen C0027672, MeSH D009386, MONDO:0015356.

Submission:

Ambry Genetics
Classification: Uncertain significance for Hereditary cancer-predisposing syndrome. Last evaluated: 2022-09-23. Review status: criteria provided, single submitter. Criteria: Ambry Variant Classification Scheme 2023. Collection method: clinical testing. Allele origin: germline.
Comment: The p.S946R variant (also known as c.2838C>A), located in coding exon 20 of the TSC1 gene, results from a C to A substitution at nucleotide position 2838. The serine at codon 946 is replaced by arginine, an amino acid with dissimilar properties. This amino acid position is conserved. In addition, the in silico prediction for this alteration is inconclusive. Since supporting evidence is limited at this time, the clinical significance of this alteration remains unclear.

NM_000368.5(TSC1):c.2838C>A (p.Ser946Arg)

Gene: TSC1 (TSC complex subunit 1; minus strand). Cytogenetic location: 9q34.13.
Variant type: single nucleotide variant.
Coding change: c.2838C>A on transcript NM_000368.5 (MANE Select); coding-DNA position 2838, C replaced by A.
Protein change: p.Ser946Arg; replaces serine 946 with arginine.
Molecular consequence: missense variant.
Genome position (GRCh38, 1-based): chr9:132,897,321, G>T on the plus strand (C>A on the coding strand, the complement: TSC1 is on the minus strand). VCF-style: chr9-132897321-G-T. GRCh37 (hg19) VCF-style: chr9-135772708-G-T.
Other names: c.2835C>A, p.Ser945Arg (NM_001162426.2, NM_001406597.1, NM_001406598.1 and 2 more transcripts); c.2685C>A, p.Ser895Arg (NM_001162427.2, NM_001406610.1); c.2475C>A, p.Ser825Arg (NM_001362177.2, NM_001406614.1, NM_001406615.1 and 4 more transcripts); c.2838C>A, p.Ser946Arg (NM_001406592.1, NM_001406593.1, NM_001406594.1 and 2 more transcripts); c.2823C>A, p.Ser941Arg (NM_001406601.1, NM_001406602.1); c.2820C>A, p.Ser940Arg (NM_001406603.1, NM_001406604.1); c.2796C>A, p.Ser932Arg (NM_001406605.1, NM_001406606.1, NM_001406607.1); c.2793C>A, p.Ser931Arg (NM_001406608.1, NM_001406609.1); and 8 more; short protein forms S628R, S810R, S824R, S895R, S941R, S629R, S811R, S880R.
Identifiers: ClinVar variation 1796670 (VCV001796670.2), dbSNP rs2131627838, ClinGen allele CA375368902.